The following is an entry in ClinVar:

NM_001014437.3(CARS1):c.367-14C>G

Genes: CARS1 (cysteinyl-tRNA synthetase 1; minus strand), CARS1-AS1 (CARS1 antisense RNA 1; plus strand), LOC126861115 (BRD4-independent group 4 enhancer GRCh37_chr11:3061281-3062480; plus strand). Cytogenetic location: 11p15.4.
Variant type: single nucleotide variant.
Coding change: c.367-14C>G on transcript NM_001014437.3 (MANE Select); 14 bases into the intron before coding-DNA position 367, C replaced by G.
Molecular consequence: intron variant. On other transcripts: non-coding transcript variant (3), nonsense (4).
Genome position (GRCh38, 1-based): chr11:3,040,998, G>C on the plus strand (C>G on the coding strand, the complement: CARS1 is on the minus strand). VCF-style: chr11-3040998-G-C. GRCh37 (hg19) VCF-style: chr11-3062228-G-C.
Other names: c.74C>G, p.Ser25Ter (NM_001378137.1, NM_001378138.1, NM_001378139.1 and 1 more transcripts); c.118-14C>G (NM_001751.6, NM_139273.4); c.367-14C>G (NM_001194997.2); c.157-14C>G (NM_001378136.1); short protein forms S25*.
Identifiers: ClinVar variation 4845877 (VCV004845877.1).

ClinVar aggregate classification (germline): Likely pathogenic (1 of 4 stars; one submission).

Conditions:
Microcephaly, developmental delay, and brittle hair syndrome. Identifiers: MedGen C5394425, MONDO:0030047, OMIM 618891.

gnomAD v4.1: 1 of 1,613,954 alleles (0.000062%); highest among the groups gnomAD compares: Non-Finnish European, 0.000085%; no homozygotes.

Submission:

First Genomix Gene Laboratory, Genetic Diagnostics Department
Classification: Likely pathogenic for Microcephaly, developmental delay, and brittle hair syndrome. Last evaluated: 2025-03-18. Review status: criteria provided, single submitter. Criteria: ACMG Guidelines, 2015. Collection method: clinical testing. Allele origin: germline. Inheritance: Autosomal recessive inheritance. Affected: no. Observed: 1 variant allele.